The following is an entry in ClinVar:

ClinVar aggregate classification (germline): Conflicting classifications of pathogenicity. Review status: criteria provided, conflicting classifications (1 of 4 stars). 3 submissions from 3 submitters: Uncertain significance (2); Likely benign (1). Last evaluated 2025-03-06.

Conditions:
DICER1-related tumor predisposition. Also called: DICER1-related pleuropulmonary blastoma cancer predisposition syndrome; DICER1 syndrome. Identifiers: Orphanet 284343, MedGen C3839822, MONDO:0100216.
Hereditary cancer-predisposing syndrome. Also called: Neoplastic Syndromes, Hereditary; Tumor predisposition; Hereditary Cancer Syndrome; Hereditary neoplastic syndrome. Identifiers: Orphanet 140162, MedGen C0027672, MeSH D009386, MONDO:0015356.

Allele frequency attached by ClinVar (database versions not stated): TOPMed below 0.00001.

Submissions (3):

Labcorp Genetics (formerly Invitae), Labcorp
Classification: Uncertain significance for DICER1-related tumor predisposition. Last evaluated: 2025-03-06. Review status: criteria provided, single submitter. Criteria: Invitae Variant Classification Sherloc (09022015). Collection method: clinical testing. Allele origin: germline.
Comment: This sequence change replaces valine, which is neutral and non-polar, with isoleucine, which is neutral and non-polar, at codon 883 of the DICER1 protein (p.Val883Ile). This variant is not present in population databases (gnomAD no frequency). This variant has not been reported in the literature in individuals affected with DICER1-related conditions. ClinVar contains an entry for this variant (Variation ID: 543589). Invitae Evidence Modeling of protein sequence and biophysical properties (such as structural, functional, and spatial information, amino acid conservation, physicochemical variation, residue mobility, and thermodynamic stability) indicates that this missense variant is not expected to disrupt DICER1 protein function with a negative predictive value of 95%. In summary, the available evidence is currently insufficient to determine the role of this variant in disease. Therefore, it has been classified as a Variant of Uncertain Significance.

GeneDx
Classification: Uncertain significance. Last evaluated: 2024-08-07. Review status: criteria provided, single submitter. Criteria: GeneDx Variant Classification Process June 2021. Collection method: clinical testing. Allele origin: germline. Affected: yes.
Comment: Not observed at significant frequency in large population cohorts (gnomAD); In silico analysis indicates that this missense variant does not alter protein structure/function; Has not been previously published as pathogenic or benign to our knowledge

Ambry Genetics
Classification: Likely benign for Hereditary cancer-predisposing syndrome. Last evaluated: 2024-07-01. Review status: criteria provided, single submitter. Criteria: Ambry Variant Classification Scheme 2023. Collection method: clinical testing. Allele origin: germline.

NM_177438.3(DICER1):c.2647G>A (p.Val883Ile)

Gene: DICER1 (dicer 1, ribonuclease III; minus strand). Cytogenetic location: 14q32.13.
Variant type: single nucleotide variant.
Coding change: c.2647G>A on transcript NM_177438.3 (MANE Select); coding-DNA position 2647, G replaced by A.
Protein change: p.Val883Ile; replaces valine 883 with isoleucine.
Molecular consequence: missense variant.
Genome position (GRCh38, 1-based): chr14:95,107,883, C>T on the plus strand (G>A on the coding strand, the complement: DICER1 is on the minus strand). VCF-style: chr14-95107883-C-T. GRCh37 (hg19) VCF-style: chr14-95574220-C-T.
Other names: c.2647G>A, p.Val883Ile (NM_001195573.1, NM_001271282.3, NM_001291628.2 and 1 more transcripts); short protein forms V883I.
Identifiers: ClinVar variation 543589 (VCV000543589.19), dbSNP rs1407338094, ClinGen allele CA390881097.